The following is an entry in ClinVar:

ClinVar aggregate classification (germline): Likely benign. Review status: criteria provided, multiple submitters, no conflicts (2 of 4 stars). 2 submissions from 2 submitters: Likely benign (2). Last evaluated 2023-02-02.

Conditions:
Arrhythmogenic right ventricular dysplasia 11. Also called: Arrhythmogenic right ventricular dysplasia 11 with mild palmoplantar keratoderma and woolly hair; Arrhythmogenic Right Ventricular Dysplasia/Cardiomyopathy11; ARRHYTHMOGENIC RIGHT VENTRICULAR DYSPLASIA, FAMILIAL, 11. Identifiers: MedGen C1864850, MONDO:0012506, OMIM 610476.

Allele frequency attached by ClinVar (database versions not stated): gnomAD exomes below 0.00001.
gnomAD v4.1: 1 of 1,613,876 alleles (0.000062%); highest among the groups gnomAD compares: Admixed American, 0.0017%; no homozygotes.

Submissions (2):

Labcorp Genetics (formerly Invitae), Labcorp
Classification: Likely benign for Arrhythmogenic right ventricular dysplasia 11. Last evaluated: 2023-02-02. Review status: criteria provided, single submitter. Criteria: Invitae Variant Classification Sherloc (09022015). Collection method: clinical testing. Allele origin: germline.

Phosphorus, Inc.
Classification: Likely benign. Last evaluated: 2022-01-18. Review status: criteria provided, single submitter. Criteria: ACMG Guidelines, 2015. Collection method: clinical testing. Allele origin: germline. Inheritance: Autosomal dominant inheritance.
Comment: This synonymous variant is located 17 bp from the canonical splice site in exon 11 out of 16 exons of the DSC2 gene (transcript NM_024422.4). This variant has not been reported in ClinVar and has not occurred in population databases. This position is not conserved. In silico splicing algorithms did not predict an impact on splicing, however no functional studies were performed to confirm this prediction. The variant has not occurred in the literature associated with the disease. In conclusion, the available evidence is sufficient to classify this variant as Likely Benign.

NM_024422.6(DSC2):c.1647C>T (p.Val549=)

Gene: DSC2 (desmocollin 2; minus strand). Cytogenetic location: 18q12.1.
Variant type: single nucleotide variant.
Coding change: c.1647C>T on transcript NM_024422.6 (MANE Select); coding-DNA position 1647, C replaced by T.
Protein change: p.Val549=; no amino-acid change (valine 549 retained).
Molecular consequence: synonymous variant.
Genome position (GRCh38, 1-based): chr18:31,079,863, G>A on the plus strand (C>T on the coding strand, the complement: DSC2 is on the minus strand). VCF-style: chr18-31079863-G-A. GRCh37 (hg19) VCF-style: chr18-28659829-G-A.
Other names: c.1647C>T, p.Val549= (NM_004949.5).
Identifiers: ClinVar variation 1339286 (VCV001339286.4), dbSNP rs2144812470, ClinGen allele CA503527256.
Genomic context (GRCh38, chr18:31,079,863, plus strand): 5'-TGTAGCCAAGGAAGTATGTAGCTGGCTTAAAGACAAATTCTTACCTTGGTCTGATGCAAG[G>A]ACTGTAATATTATATATGCCATTTTTGATGGTCTCTGCCTCTCTATCCAGGCTTCTGAAA-3'
Protein context (NP_077740.1, residues 539-559): TIKNGIYNIT[Val549=]LASDQGGRTC